The following is an entry in ClinVar:

ClinVar aggregate classification (germline): Uncertain significance (1 of 4 stars; one submission).

Submission:

Labcorp Genetics (formerly Invitae), Labcorp
Classification: Uncertain significance. Last evaluated: 2025-12-18. Review status: criteria provided, single submitter. Criteria: Invitae Variant Classification Sherloc (09022015). Collection method: clinical testing. Allele origin: germline.
Comment: This sequence change replaces threonine, which is neutral and polar, with arginine, which is basic and polar, at codon 869 of the CACNA2D4 protein (p.Thr869Arg). This variant is not present in population databases (gnomAD no frequency). This variant has not been reported in the literature in individuals affected with CACNA2D4-related conditions. ClinVar contains an entry for this variant (Variation ID: 1349226). An algorithm developed to predict the effect of missense changes on protein structure and function (PolyPhen-2) suggests that this variant is likely to be tolerated. In summary, the available evidence is currently insufficient to determine the role of this variant in disease. Therefore, it has been classified as a Variant of Uncertain Significance.

NM_172364.5(CACNA2D4):c.2606C>G (p.Thr869Arg)

Gene: CACNA2D4 (calcium voltage-gated channel auxiliary subunit alpha2delta 4; minus strand). Cytogenetic location: 12p13.33.
Variant type: single nucleotide variant.
Coding change: c.2606C>G on transcript NM_172364.5 (MANE Select); coding-DNA position 2606, C replaced by G.
Protein change: p.Thr869Arg; replaces threonine 869 with arginine.
Molecular consequence: missense variant.
Genome position (GRCh38, 1-based): chr12:1,811,669, G>C on the plus strand (C>G on the coding strand, the complement: CACNA2D4 is on the minus strand). VCF-style: chr12-1811669-G-C. GRCh37 (hg19) VCF-style: chr12-1920835-G-C.
Other names: short protein forms T869R.
Identifiers: ClinVar variation 1349226 (VCV001349226.8), dbSNP rs35331095, ClinGen allele CA383350335.